The following is an entry in ClinVar:

ClinVar aggregate classification (germline): Likely pathogenic (1 of 4 stars; one submission).

Submission:

Labcorp Genetics (formerly Invitae), Labcorp
Classification: Likely pathogenic. Last evaluated: 2024-05-08. Review status: criteria provided, single submitter. Criteria: Invitae Variant Classification Sherloc (09022015). Collection method: clinical testing. Allele origin: germline.
Comment: This variant results in the deletion of part of exon 24 of the ATP8B1 gene. It is expected to disrupt RNA splicing. Variants that disrupt the donor or acceptor splice site typically lead to a loss of protein function (PMID: 16199547), and loss-of-function variants in ATP8B1 are known to be pathogenic (PMID: 15239083, 22525741). This variant is not present in population databases (gnomAD no frequency). This variant has not been reported in the literature in individuals affected with ATP8B1-related conditions. In summary, the currently available evidence indicates that the variant is pathogenic, but additional data are needed to prove that conclusively. Therefore, this variant has been classified as Likely Pathogenic.

Literature cited by the submitters: PubMed 16199547; PubMed 15239083; PubMed 22525741.

NM_001374385.1(ATP8B1):c.2932-550_2946del

Genes: ATP8B1 (ATPase phospholipid transporting 8B1; minus strand), ATP8B1-AS1 (ATP8B1 antisense RNA 1; plus strand). Cytogenetic location: 18q21.31.
Variant type: Deletion.
Coding change: c.2932-550_2946del on transcript NM_001374385.1 (MANE Select); 550 bases into the intron before coding-DNA position 2932 through coding-DNA position 2946, 565 bases deleted.
Molecular consequence: splice acceptor variant.
Genome position (GRCh38, 1-based): chr18:57,654,061-57,654,625, 565 bases deleted. GRCh37 (hg19): chr18:55,321,293-55,321,857.
Other names: c.2932-550_2946del (NM_005603.6); c.2782-550_2796del (NM_001374386.1).
Identifiers: ClinVar variation 3652686 (VCV003652686.2).